The following is an entry in ClinVar:

ClinVar aggregate classification (germline): Uncertain significance (1 of 4 stars; one submission).

Conditions:
Congenital heart defects, multiple types, 2 (CHTD2). Also called: Congenital heart defects, nonsyndromic, 2. Identifiers: Orphanet 664401, MedGen C3554279, MONDO:0014000, OMIM 614980.

gnomAD v4.1: 6 of 1,613,722 alleles (0.00037%); highest among the groups gnomAD compares: Non-Finnish European, 0.00051%; no homozygotes.

Submission:

OLLIN Analises Genomicas, OLLIN
Classification: Uncertain significance for Congenital heart defects, multiple types, 2. Last evaluated: 2026-08-06. Review status: criteria provided, single submitter. Criteria: ACMG Guidelines 2015 PMID 25741868. Collection method: clinical testing. Allele origin: germline.
Comment: This missense variant, located in exon 3 (of 7), has been observed in gnomAD with an allele frequency of 0.00037%, but has not been reported in ClinVar or identified in the literature. In silico analysis predicts that this variant has a tolerated effect. According to the currently available evidence, this variant has been classified as uncertain significance (PM2_P, BP4_M).

NM_001292034.3(TAB2):c.889A>G (p.Thr297Ala)

Genes: TAB2 (TGF-beta activated kinase 1 (MAP3K7) binding protein 2; plus strand), LOC126859827 (BRD4-independent group 4 enhancer GRCh37_chr6:149699707-149700906; plus strand). Cytogenetic location: 6q25.1.
Variant type: single nucleotide variant.
Coding change: c.889A>G on transcript NM_001292034.3 (MANE Select); coding-DNA position 889, A replaced by G.
Protein change: p.Thr297Ala; replaces threonine 297 with alanine.
Molecular consequence: missense variant.
Genome position (GRCh38, 1-based): chr6:149,378,804, A>G. VCF-style: chr6-149378804-A-G. GRCh37 (hg19) VCF-style: chr6-149699940-A-G.
Other names: c.793A>G, p.Thr265Ala (NM_001292035.3); c.889A>G, p.Thr297Ala (NM_001369506.1, NM_015093.6); short protein forms T297A, T265A.
Identifiers: ClinVar variation 5003054 (VCV005003054.1).
Genomic context (GRCh38, chr6:149,378,804, plus strand): 5'-GGCCACCAGACCTCTCATGTCTACATGCCAATCAGTTCACCTACTACTTCACAACCACCA[A>G]CCATTCATTCATCTGGTAGCTCACAGTCTTCTGCCCATAGCCAATATAACATTCAGAATA-3'
Protein context (NP_001278963.1, residues 287-307): ISSPTTSQPP[Thr297Ala]IHSSGSSQSS